The following is an entry in ClinVar:

NM_000059.4(BRCA2):c.8331+2T>G

Gene: BRCA2 (BRCA2 DNA repair associated; plus strand). Cytogenetic location: 13q13.1.
Variant type: single nucleotide variant.
Coding change: c.8331+2T>G on transcript NM_000059.4 (MANE Select); the canonical splice donor site of the intron after coding-DNA position 8331, T replaced by G.
Molecular consequence: splice donor variant.
Genome position (GRCh38, 1-based): chr13:32,363,535, T>G. VCF-style: chr13-32363535-T-G. GRCh37 (hg19) VCF-style: chr13-32937672-T-G.
Other names: c.8331+2T>G (NM_001406720.1); c.8235+2T>G (NM_001406719.1); c.3399+2T>G (NM_001406721.1); c.1914+2T>G (NM_001406722.1).
Identifiers: ClinVar variation 230571 (VCV000230571.18), dbSNP rs398122602, ClinGen allele CA10579777.

ClinVar aggregate classification (germline): Pathogenic/Likely pathogenic. Review status: criteria provided, multiple submitters, no conflicts (2 of 4 stars). 5 submissions from 5 submitters: Pathogenic (2); Likely pathogenic (3). Last evaluated 2025-07-31.

Conditions:
Breast-ovarian cancer, familial, susceptibility to, 2 (BROVCA2). Also called: BRCA2 Hereditary Breast and Ovarian Cancer. Identifiers: Orphanet 145, MedGen C2675520, MONDO:0012933, OMIM 612555. Disease mechanism: loss of function.
Familial cancer of breast. Also called: Hereditary breast cancer; hereditary breast carcinoma; BREAST CANCER, FAMILIAL. Identifiers: Orphanet 227535, MedGen C0346153, MONDO:0016419, OMIM 114480. Disease mechanism: loss of function.
Hereditary cancer-predisposing syndrome. Also called: Hereditary Cancer Syndrome; Neoplastic Syndromes, Hereditary; Tumor predisposition; Hereditary neoplastic syndrome. Identifiers: Orphanet 140162, MedGen C0027672, MeSH D009386, MONDO:0015356.
Hereditary breast ovarian cancer syndrome. Also called: Hereditary breast and/or ovarian cancer syndrome; BRCA1- and BRCA2-Associated Hereditary Breast and Ovarian Cancer; Hereditary breast and ovarian cancer syndrome (HBOC); Hereditary breast and ovarian cancer; Hereditary breast and ovarian cancer syndrome; Breast and ovarian cancer. Identifiers: Orphanet 145, MedGen C0677776, MeSH D061325, MONDO:0003582. Disease mechanism: loss of function.

Submissions (5):

Labcorp Genetics (formerly Invitae), Labcorp
Classification: Pathogenic for Hereditary breast ovarian cancer syndrome. Last evaluated: 2025-07-31. Review status: criteria provided, single submitter. Criteria: Invitae Variant Classification Sherloc (09022015). Collection method: clinical testing. Allele origin: germline.
Comment: This sequence change affects a donor splice site in intron 18 of the BRCA2 gene. It is expected to disrupt RNA splicing. Variants that disrupt the donor or acceptor splice site typically lead to a loss of protein function (PMID: 16199547), and loss-of-function variants in BRCA2 are known to be pathogenic (PMID: 20104584). This variant is not present in population databases (gnomAD no frequency). This variant has not been reported in the literature in individuals affected with BRCA2-related conditions. ClinVar contains an entry for this variant (Variation ID: 230571). Algorithms developed to predict the effect of sequence changes on RNA splicing suggest that this variant may disrupt the consensus splice site. This variant disrupts the c.8331+2T nucleotide in the BRCA2 gene. Other variant(s) that disrupt this nucleotide have been determined to be pathogenic (PMID: 19619314, 21614564, 24504028, 25186627, 28008555, 28339459, 29339979, 29446198, 29487695). This suggests that this nucleotide is clinically significant, and that variants that disrupt this position are likely to be disease-causing. For these reasons, this variant has been classified as Pathogenic.

GeneDx
Classification: Likely pathogenic. Last evaluated: 2024-03-29. Review status: criteria provided, single submitter. Criteria: GeneDx Variant Classification Process June 2021. Collection method: clinical testing. Allele origin: germline. Affected: yes.
Comment: Observed in a patient with ovarian cancer (PMID: 28888541); A different nucleotide change at the same canonical splice site (c.8331+2T>C) has demonstrated aberrant splicing, resulting in both null and wildtype transcripts (PMID: 28339459, 30832263, 31143303, 32123317); Canonical splice site variant predicted to result in a null allele; although, in the absence of functional evidence the actual effect of this sequence changes is unknown; Not observed at significant frequency in large population cohorts (gnomAD); Also known as 8559+2T>G; This variant is associated with the following publications: (PMID: 28888541, 28339459, 30832263, 31143303, 32123317)

Women's Health and Genetics/Laboratory Corporation of America, LabCorp
Classification: Likely pathogenic for Hereditary breast ovarian cancer syndrome. Last evaluated: 2022-10-31. Review status: criteria provided, single submitter. Criteria: LabCorp Variant Classification Summary - May 2015. Collection method: clinical testing. Allele origin: germline.
Comment: Variant summary: BRCA2 c.8331+2T>G is located in a canonical splice-site and is predicted to affect mRNA splicing resulting in a significantly altered protein due to either exon skipping, shortening, or inclusion of intronic material. Several computational tools predict a significant impact on normal splicing: Four predict the variant abolishes a 5 splicing donor site. However, these predictions have yet to be confirmed by functional studies. The variant was absent in 247808 control chromosomes (gnomAD). c.8331+2T>G has been reported in the literature in at least one individual affected with ovarian cancer (Lilyquist_2017). These data indicate that the variant is likely to be associated with disease. To our knowledge, no experimental evidence demonstrating an impact on protein function has been reported. Two ClinVar submitters (evaluation after 2014) cite the variant as pathogenic and likely pathogenic. Based on the evidence outlined above, the variant was classified as likely pathogenic.

Department of Pathology and Laboratory Medicine, Sinai Health System
Classification: Pathogenic for Familial cancer of breast; Breast-ovarian cancer, familial, susceptibility to, 2. Last evaluated: 2022-07-28. Review status: criteria provided, single submitter. Criteria: ACMG Guidelines, 2015. Collection method: clinical testing. Allele origin: germline. Affected: yes.

Ambry Genetics
Classification: Likely pathogenic for Hereditary cancer-predisposing syndrome. Last evaluated: 2021-03-11. Review status: criteria provided, single submitter. Criteria: Ambry Variant Classification Scheme 2023. Collection method: clinical testing. Allele origin: germline.
Comment: The c.8331+2T>G intronic pathogenic mutation results from a T to G substitution two nucleotides after coding exon 17 in the BRCA2 gene. This nucleotide position is highly conserved in available vertebrate species. In silico splice site analysis predicts that this alteration will weaken the native splice donor site. Several variants at this splice donor site demonstrated substantial but incomplete abnormal splicing in multiple different RNA analyses (Ambry internal data; Gelli E et al. Cancers (Basel), 2019 Mar;11; Nix P et al. Fam Cancer, 2021 Jan; Fraile-Bethencourt E et al. PLoS Genet, 2017 Mar;13:e1006691). Furthermore, the close match alteration BRCA2 c.8331+2T>C was observed in individuals who collectively do not present with a clinical history seen in typical high-risk hereditary breast and ovarian cancer (HBOC) variant carriers (Nix P et al. Fam Cancer, 2021 Jan;). However, these data cannot rule out the possibility of a hypomorphic variant with atypical risks. Based on the majority of available evidence to date, this variant is likely to be pathogenic. However, carriers of this variant and their families may present with reduced risks, and not with the typical clinical characteristics of a high-risk pathogenic BRCA2 alteration. As risk estimates are unknown at this time, clinical correlation is advised.

Literature cited by the submitters: PubMed 16199547 (cited by Labcorp Genetics (formerly Invitae), Labcorp); PubMed 20104584 (cited by Labcorp Genetics (formerly Invitae), Labcorp); PubMed 19619314 (cited by Labcorp Genetics (formerly Invitae), Labcorp); PubMed 21614564 (cited by Labcorp Genetics (formerly Invitae), Labcorp); PubMed 24504028 (cited by Labcorp Genetics (formerly Invitae), Labcorp and Ambry Genetics); PubMed 25186627 (cited by Labcorp Genetics (formerly Invitae), Labcorp); PubMed 28008555 (cited by Labcorp Genetics (formerly Invitae), Labcorp); PubMed 28339459 (cited by Labcorp Genetics (formerly Invitae), Labcorp and Ambry Genetics); PubMed 29339979 (cited by Labcorp Genetics (formerly Invitae), Labcorp); PubMed 29446198 (cited by Labcorp Genetics (formerly Invitae), Labcorp); PubMed 29487695 (cited by Labcorp Genetics (formerly Invitae), Labcorp); PubMed 28888541 (cited by Women's Health and Genetics/Laboratory Corporation of America, LabCorp); PubMed 30832263 (cited by Ambry Genetics).